The following is an entry in ClinVar:

NM_144997.7(FLCN):c.1539-6C>T

Gene: FLCN (folliculin; minus strand). Cytogenetic location: 17p11.2.
Variant type: single nucleotide variant.
Coding change: c.1539-6C>T on transcript NM_144997.7 (MANE Select); 6 bases into the intron before coding-DNA position 1539, C replaced by T.
Molecular consequence: intron variant.
Genome position (GRCh38, 1-based): chr17:17,213,862, G>A on the plus strand (C>T on the coding strand, the complement: FLCN is on the minus strand). VCF-style: chr17-17213862-G-A. GRCh37 (hg19) VCF-style: chr17-17117176-G-A.
Other names: c.1539-6C>T (LRG_325t1, NM_144997.6, NM_001353231.2 and 1 more transcripts); c.1593-6C>T (NM_001353229.2).
Identifiers: ClinVar variation 460602 (VCV000460602.22), dbSNP rs779028759, ClinGen allele CA8415937.

ClinVar aggregate classification (germline): Benign/Likely benign. Review status: criteria provided, multiple submitters, no conflicts (2 of 4 stars). 7 submissions from 7 submitters: Benign (2); Likely benign (5). Last evaluated 2026-01-14.

Conditions:
Birt-Hogg-Dube syndrome 1 (BHD1). Also called: FIBROFOLLICULOMAS WITH TRICHODISCOMAS AND ACROCHORDONS. Identifiers: Orphanet 122, MedGen CN375946, MONDO:0800445, OMIM 135150.
FLCN-related disorder. Also called: FLCN-related condition.
Birt-Hogg-Dube syndrome. Also called: Birt Hogg Dubé syndrome. Identifiers: Orphanet 122, MedGen C0346010, MONDO:0800444.

Allele frequency attached by ClinVar (database versions not stated): ExAC 0.00005; gnomAD 0.00008 and 0.00009; gnomAD exomes 0.00009; TOPMed 0.00015.

Submissions (7):

Labcorp Genetics (formerly Invitae), Labcorp
Classification: Likely benign for Birt-Hogg-Dube syndrome. Last evaluated: 2026-01-14. Review status: criteria provided, single submitter. Criteria: Invitae Variant Classification Sherloc (09022015). Collection method: clinical testing. Allele origin: germline.

Center for Genomic Medicine, Rigshospitalet, Copenhagen University Hospital
Classification: Likely benign. Last evaluated: 2025-03-04. Review status: criteria provided, single submitter. Criteria: ACMG Guidelines, 2015. Collection method: clinical testing. Allele origin: germline.

PreventionGenetics, part of Exact Sciences
Classification: Likely benign for FLCN-related condition. Last evaluated: 2025-01-23. Review status: criteria provided, single submitter. Criteria: ACMG Guidelines, 2015. Collection method: clinical testing. Allele origin: germline.
Comment: This variant is classified as likely benign based on ACMG/AMP sequence variant interpretation guidelines (Richards et al. 2015 PMID: 25741868, with internal and published modifications).

Myriad Genetics, Inc.
Classification: Benign for Birt-Hogg-Dube syndrome 1. Last evaluated: 2024-10-28. Review status: criteria provided, single submitter. Criteria: Myriad Autosomal Dominant, Autosomal Recessive and X-Linked Classification Criteria (2023). Collection method: clinical testing. Allele origin: unknown.
Comment: This variant is considered benign. This variant is intronic and is not expected to impact mRNA splicing. This variant has been observed at a population frequency that is significantly greater than expected given the associated disease prevalence and penetrance.

Blueprint Genetics
Classification: Likely benign. Last evaluated: 2022-09-28. Review status: criteria provided, single submitter. Criteria: ACMG Guidelines, 2015. Collection method: clinical testing. Allele origin: germline.

Quest Diagnostics Nichols Institute San Juan Capistrano
Classification: Benign. Last evaluated: 2022-09-13. Review status: criteria provided, single submitter. Criteria: Quest Diagnostics criteria. Collection method: clinical testing. Allele origin: unknown.

GeneDx
Classification: Likely benign. Last evaluated: 2019-08-30. Review status: criteria provided, single submitter. Criteria: GeneDx Variant Classification Process June 2021. Collection method: clinical testing. Allele origin: germline. Affected: yes.